The following is an entry in ClinVar:

ClinVar aggregate classification (germline): Pathogenic/Likely pathogenic. Review status: criteria provided, multiple submitters, no conflicts (2 of 4 stars). 6 submissions from 6 submitters: Pathogenic (5); Likely pathogenic (1). Last evaluated 2026-08-20.

Conditions:
SACS-related disorder. Also called: SACS-related condition.
Spastic paraplegia. Identifiers: MedGen C0037772, HP:0001258.
Charlevoix-Saguenay spastic ataxia (SACS). Also called: AUTOSOMAL RECESSIVE SPASTIC ATAXIA OF CHARLEVOIX-SAGUENAY; SPASTIC ATAXIA 6, AUTOSOMAL RECESSIVE; Spastic ataxia of Charlevoix-Saguenay. Identifiers: Orphanet 98, MedGen C1849140, MONDO:0010041, OMIM 270550.

Allele frequency attached by ClinVar (database versions not stated): gnomAD exomes below 0.00001; ExAC 0.00001; gnomAD 0.00001; TOPMed 0.00001.
gnomAD v4.1: 7 of 1,613,756 alleles (0.00043%); highest among the groups gnomAD compares: South Asian, 0.0022%; no homozygotes.

Submissions (6):

PreventionGenetics, part of Exact Sciences
Classification: Pathogenic for SACS-related condition. Last evaluated: 2026-08-20. Review status: criteria provided, single submitter. Criteria: ACMG Guidelines, 2015. Collection method: clinical testing. Allele origin: germline.
Comment: The SACS c.1201C>T variant is predicted to result in premature protein termination (p.Arg401*). This variant, also known as p.Arg254* using legacy nomenclature, has been reported in the homozygous state (Saadi et al. 2023. PubMed ID: 37510308) and compound heterozygous state in individuals with Charlevoix-Saguenay spastic ataxia (Table S1, Salinas et al 2020. PubMed ID: 33084218; Guenther et al. 2022. DOI:10.1016/j.neurop.2022.07.002) and also in an individual with developmental delay (Supp Table 9, Thys et al. 2024. PubMed ID: 39213953). This variant is reported in 0.00088% of alleles in individuals of European (Non-Finnish) descent in gnomAD. Nonsense variants in SACS are expected to be pathogenic. This variant is interpreted as pathogenic.

Natera, Inc.
Classification: Pathogenic for Charlevoix-Saguenay type spastic ataxia. Last evaluated: 2026-01-13. Review status: criteria provided, single submitter. Criteria: Natera Variant Classification Schema (03/2026). Collection method: clinical testing. Allele origin: germline.
Comment: The c.1201C>T variant in SACS is a nonsense variant predicted to introduce a stop codon at amino acid 401. This variant is expected to result in nonsense mediated decay, truncation, or a dysfunctional protein product. This variant is rare in the general population with a frequency below the threshold expected for the associated phenotype(s). This variant has been observed in one or more individuals affected with the associated recessive disease, as either homozygous or compound heterozygous with a second variant (PMID: 37510308). Given the available evidence, this variant is classified as Pathogenic.

Labcorp Genetics (formerly Invitae), Labcorp
Classification: Pathogenic for Spastic paraplegia. Last evaluated: 2022-08-03. Review status: criteria provided, single submitter. Criteria: Invitae Variant Classification Sherloc (09022015). Collection method: clinical testing. Allele origin: germline.
Comment: ClinVar contains an entry for this variant (Variation ID: 843602). This sequence change creates a premature translational stop signal (p.Arg401*) in the SACS gene. It is expected to result in an absent or disrupted protein product. Loss-of-function variants in SACS are known to be pathogenic (PMID: 18465152, 20876471). This variant is present in population databases (rs769212398, gnomAD 0.0009%). This variant has not been reported in the literature in individuals affected with SACS-related conditions. Algorithms developed to predict the effect of sequence changes on RNA splicing suggest that this variant may create or strengthen a splice site. For these reasons, this variant has been classified as Pathogenic.

Genome-Nilou Lab
Classification: Likely pathogenic for Charlevoix-Saguenay spastic ataxia. Last evaluated: 2021-09-05. Review status: criteria provided, single submitter. Criteria: ACMG Guidelines, 2015. Collection method: clinical testing. Allele origin: germline. Affected: no.

Genomic Diagnostics Laboratory, National Institute of Medical Genomics
Classification: Pathogenic for Charlevoix-Saguenay spastic ataxia. Last evaluated: 2016-01-01. Review status: criteria provided, single submitter. Criteria: ACMG Guidelines, 2015. Collection method: clinical testing. Allele origin: germline. Affected: yes. Observed: 1 variant allele.

Consultorio y Laboratorio de Neurogenética, Hospital JM Ramos Mejia
Classification: Pathogenic for Charlevoix-Saguenay spastic ataxia. Review status: criteria provided, single submitter. Criteria: Perez et al. (J Hum Genet. 2020). Collection method: clinical testing. Allele origin: unknown. Inheritance: Autosomal recessive inheritance. Affected: yes. Observed: 1 compound heterozygote.

Literature cited by the submitters: PubMed 37510308 (cited by Natera, Inc.); PubMed 18465152 (cited by Labcorp Genetics (formerly Invitae), Labcorp); PubMed 20876471 (cited by Labcorp Genetics (formerly Invitae), Labcorp).

NM_014363.6(SACS):c.1201C>T (p.Arg401Ter)

Gene: SACS (sacsin molecular chaperone; minus strand). Cytogenetic location: 13q12.12.
Variant type: single nucleotide variant.
Coding change: c.1201C>T on transcript NM_014363.6 (MANE Select); coding-DNA position 1201, C replaced by T.
Protein change: p.Arg401Ter; replaces arginine 401 with a stop codon.
Molecular consequence: nonsense.
Genome position (GRCh38, 1-based): chr13:23,355,411, G>A on the plus strand (C>T on the coding strand, the complement: SACS is on the minus strand). VCF-style: chr13-23355411-G-A. GRCh37 (hg19) VCF-style: chr13-23929550-G-A.
Other names: c.760C>T, p.Arg254Ter (NM_001278055.2); short protein forms R401*, R254*.
Identifiers: ClinVar variation 843602 (VCV000843602.15), dbSNP rs769212398, ClinGen allele CA6911956.